The following is an entry in ClinVar:

ClinVar aggregate classification (germline): Uncertain significance (1 of 4 stars; one submission).

Conditions:
Hereditary cancer-predisposing syndrome. Also called: Neoplastic Syndromes, Hereditary; Hereditary Cancer Syndrome; Hereditary neoplastic syndrome; Tumor predisposition. Identifiers: Orphanet 140162, MedGen C0027672, MeSH D009386, MONDO:0015356.

Submission:

Ambry Genetics
Classification: Uncertain significance for Hereditary cancer-predisposing syndrome. Last evaluated: 2023-06-02. Review status: criteria provided, single submitter. Criteria: Ambry Variant Classification Scheme 2023. Collection method: clinical testing. Allele origin: germline.
Comment: The p.D876N variant (also known as c.2626G>A), located in coding exon 17 of the CTNNA1 gene, results from a G to A substitution at nucleotide position 2626. The aspartic acid at codon 876 is replaced by asparagine, an amino acid with highly similar properties. This amino acid position is well conserved in available vertebrate species. In addition, this alteration is predicted to be tolerated by in silico analysis. The evidence for this gene-disease relationship is limited; therefore, the clinical significance of this alteration is unclear.

NM_001903.5(CTNNA1):c.2626G>A (p.Asp876Asn)

Gene: CTNNA1 (catenin alpha 1; plus strand). Cytogenetic location: 5q31.2.
Variant type: single nucleotide variant.
Coding change: c.2626G>A on transcript NM_001903.5 (MANE Select); coding-DNA position 2626, G replaced by A.
Protein change: p.Asp876Asn; replaces aspartic acid 876 with asparagine.
Molecular consequence: missense variant. On other transcripts: 3 prime UTR variant (5).
Genome position (GRCh38, 1-based): chr5:138,933,994, G>A. VCF-style: chr5-138933994-G-A. GRCh37 (hg19) VCF-style: chr5-138269683-G-A.
Other names: c.*171G>A (NM_001290307.3, NM_001324002.1, NM_001324003.1 and 2 more transcripts); c.2317G>A, p.Asp773Asn (NM_001290309.3); c.2257G>A, p.Asp753Asn (NM_001290310.3); c.1516G>A, p.Asp506Asn (NM_001290312.1, NM_001323987.1, NM_001323988.1 and 12 more transcripts); c.2626G>A, p.Asp876Asn (NM_001323982.2, NM_001323983.1, NM_001323984.2); c.2599G>A, p.Asp867Asn (NM_001323985.2); c.2533G>A, p.Asp845Asn (NM_001323986.2); c.1381G>A, p.Asp461Asn (NM_001324001.1); and 3 more; short protein forms D773N, D867N, D475N, D506N, D461N, D845N, D876N, D393N.
Identifiers: ClinVar variation 2561608 (VCV002561608.2), dbSNP rs2150359886, ClinGen allele CA361135635.